The following is an entry in ClinVar:

ClinVar aggregate classification (germline): Uncertain significance (1 of 4 stars; one submission).

Conditions:
Familial temporal lobe epilepsy 7. Identifiers: Orphanet 101046, MedGen C4225327, MONDO:0014639, OMIM 616436.
Norman-Roberts syndrome (LIS2). Also called: Lissencephaly 2 (Norman-Roberts type). Identifiers: Orphanet 89844, MedGen C0796089, MONDO:0009760, OMIM 257320.

gnomAD v4.1: 1 of 1,614,104 alleles (0.000062%); highest among the groups gnomAD compares: Non-Finnish European, 0.000085%; no homozygotes.

Submission:

Labcorp Genetics (formerly Invitae), Labcorp
Classification: Uncertain significance for Familial temporal lobe epilepsy 7; Norman-Roberts syndrome. Last evaluated: 2023-04-26. Review status: criteria provided, single submitter. Criteria: Invitae Variant Classification Sherloc (09022015). Collection method: clinical testing. Allele origin: germline.
Comment: In summary, the available evidence is currently insufficient to determine the role of this variant in disease. Therefore, it has been classified as a Variant of Uncertain Significance. Advanced modeling of protein sequence and biophysical properties (such as structural, functional, and spatial information, amino acid conservation, physicochemical variation, residue mobility, and thermodynamic stability) performed at Invitae indicates that this missense variant is not expected to disrupt RELN protein function. This variant has not been reported in the literature in individuals affected with RELN-related conditions. This variant is not present in population databases (gnomAD no frequency). This sequence change replaces glutamic acid, which is acidic and polar, with glutamine, which is neutral and polar, at codon 2869 of the RELN protein (p.Glu2869Gln).

NM_005045.4(RELN):c.8605G>C (p.Glu2869Gln)

Genes: RELN (reelin; minus strand), SLC26A5-AS1 (SLC26A5 antisense RNA 1; plus strand). Cytogenetic location: 7q22.1.
Variant type: single nucleotide variant.
Coding change: c.8605G>C on transcript NM_005045.4 (MANE Select); coding-DNA position 8605, G replaced by C.
Protein change: p.Glu2869Gln; replaces glutamic acid 2869 with glutamine.
Molecular consequence: missense variant.
Genome position (GRCh38, 1-based): chr7:103,500,807, C>G on the plus strand (G>C on the coding strand, the complement: RELN is on the minus strand). VCF-style: chr7-103500807-C-G. GRCh37 (hg19) VCF-style: chr7-103141254-C-G.
Other names: c.8605G>C, p.Glu2869Gln (NM_173054.3); short protein forms E2869Q.
Identifiers: ClinVar variation 2934816 (VCV002934816.3), dbSNP rs2484709736, ClinGen allele CA368755428.